The following is an entry in ClinVar:

NC_000014.8:g.(?_100259814)_(100406449_?)dup

Gene: EML1 (EMAP like 1; plus strand). Cytogenetic location: 14q32.2.
Variant type: Duplication.
Identifiers: ClinVar variation 2425114 (VCV002425114.2).

ClinVar aggregate classification (germline): Uncertain significance (1 of 4 stars; one submission).

Submission:

Labcorp Genetics (formerly Invitae), Labcorp
Classification: Uncertain significance. Last evaluated: 2022-04-08. Review status: criteria provided, single submitter. Criteria: Invitae Variant Classification Sherloc (09022015). Collection method: clinical testing. Allele origin: germline.
Comment: A copy number gain of the genomic region encompassing the full coding sequence of the EML1 gene has been identified. The boundaries of this event are unknown as they extend beyond the assayed region for this gene and therefore may encompass additional genes. As the precise location of this event is unknown, it may be in tandem or it may be located elsewhere in the genome. This variant has not been reported in the literature in individuals affected with EML1-related conditions. In summary, the available evidence is currently insufficient to determine the role of this variant in disease. Therefore, it has been classified as a Variant of Uncertain Significance.